The following is an entry in ClinVar:

ClinVar aggregate classification (germline): Uncertain significance (1 of 4 stars; one submission).

Conditions:
Fanconi anemia (FA). Also called: Fanconi's anemia. Identifiers: Orphanet 84, MedGen C0015625, MeSH D005199, MONDO:0019391.

gnomAD v4.1: 2 of 1,611,948 alleles (0.00012%); highest among the groups gnomAD compares: Non-Finnish European, 0.00017%; no homozygotes.

Submission:

Labcorp Genetics (formerly Invitae), Labcorp
Classification: Uncertain significance for Fanconi anemia. Last evaluated: 2024-12-04. Review status: criteria provided, single submitter. Criteria: Invitae Variant Classification Sherloc (09022015). Collection method: clinical testing. Allele origin: germline.
Comment: This sequence change replaces threonine, which is neutral and polar, with proline, which is neutral and non-polar, at codon 367 of the FANCL protein (p.Thr367Pro). This variant is present in population databases (no rsID available, gnomAD 0.0009%). This variant has not been reported in the literature in individuals affected with FANCL-related conditions. Invitae Evidence Modeling of protein sequence and biophysical properties (such as structural, functional, and spatial information, amino acid conservation, physicochemical variation, residue mobility, and thermodynamic stability) has been performed for this missense variant. However, the output from this modeling did not meet the statistical confidence thresholds required to predict the impact of this variant on FANCL protein function. In summary, the available evidence is currently insufficient to determine the role of this variant in disease. Therefore, it has been classified as a Variant of Uncertain Significance.

NM_018062.4(FANCL):c.1099A>C (p.Thr367Pro)

Genes: FANCL (FA complementation group L; minus strand), VRK2 (VRK serine/threonine kinase 2; plus strand). Cytogenetic location: 2p16.1.
Variant type: single nucleotide variant.
Coding change: c.1099A>C on transcript NM_018062.4 (MANE Select); coding-DNA position 1099, A replaced by C.
Protein change: p.Thr367Pro; replaces threonine 367 with proline.
Molecular consequence: missense variant. On other transcripts: non-coding transcript variant (2), 3 prime UTR variant (9).
Genome position (GRCh38, 1-based): chr2:58,159,794, T>G on the plus strand (A>C on the coding strand, the complement: FANCL is on the minus strand). VCF-style: chr2-58159794-T-G. GRCh37 (hg19) VCF-style: chr2-58386929-T-G.
Other names: c.1114A>C, p.Thr372Pro (NM_001114636.2); c.1144A>C, p.Thr382Pro (NM_001374615.1); c.1159A>C, p.Thr387Pro (NM_001410792.1); c.*101T>G (NM_001130480.2, NM_001130481.2, NM_001130482.2 and 4 more transcripts); c.*486T>G (NM_001130483.2, NM_001288838.2); short protein forms T367P, T372P, T387P, T382P.
Identifiers: ClinVar variation 3671258 (VCV003671258.2).